The following is an entry in ClinVar:

NM_002734.5(PRKAR1A):c.435G>C (p.Glu145Asp)

Gene: PRKAR1A (protein kinase cAMP-dependent type I regulatory subunit alpha; plus strand). Cytogenetic location: 17q24.2.
Variant type: single nucleotide variant.
Coding change: c.435G>C on transcript NM_002734.5 (MANE Select); coding-DNA position 435, G replaced by C.
Protein change: p.Glu145Asp; replaces glutamic acid 145 with aspartic acid.
Molecular consequence: missense variant.
Genome position (GRCh38, 1-based): chr17:68,523,811, G>C. VCF-style: chr17-68523811-G-C. GRCh37 (hg19) VCF-style: chr17-66519952-G-C.
Other names: c.435G>C, p.Glu145Asp (NM_001276289.2, NM_001276290.1, NM_001278433.2 and 4 more transcripts); short protein forms E145D.
Identifiers: ClinVar variation 1063871 (VCV001063871.9), dbSNP rs1342160694, ClinGen allele CA400752742.
Genomic context (GRCh38, chr17:68,523,811, plus strand): 5'-GGCCGCTTTAGCCAAAGCCATTGAAAAGAATGTGCTGTTTTCACATCTTGATGATAATGA[G>C]AGAAGGTAGGAACAGGCTCTTTCTTAACACTATTTTTCAAGTAAGGGTGTGATCCCAAAT-3'
Protein context (NP_002725.1, residues 135-155): NVLFSHLDDN[Glu145Asp]RSDIFDAMFS

ClinVar aggregate classification (germline): Uncertain significance (1 of 4 stars; one submission).

Conditions:
Carney complex, type 1 (CNC1). Also called: CARNEY MYXOMA-ENDOCRINE COMPLEX; CARNEY COMPLEX, TYPE I. Identifiers: Orphanet 1359, MedGen C2607929, MONDO:0008057, OMIM 160980.

Submission:

Labcorp Genetics (formerly Invitae), Labcorp
Classification: Uncertain significance for Carney complex, type 1. Last evaluated: 2020-05-05. Review status: criteria provided, single submitter. Criteria: Invitae Variant Classification Sherloc (09022015). Collection method: clinical testing. Allele origin: germline.
Comment: This variant has not been reported in the literature in individuals with PRKAR1A-related conditions. Algorithms developed to predict the effect of missense changes on protein structure and function (SIFT, PolyPhen-2, Align-GVGD) all suggest that this variant is likely to be tolerated, but these predictions have not been confirmed by published functional studies and their clinical significance is uncertain. This sequence change replaces glutamic acid with aspartic acid at codon 145 of the PRKAR1A protein (p.Glu145Asp). The glutamic acid residue is highly conserved and there is a small physicochemical difference between glutamic acid and aspartic acid. This variant is not present in population databases (ExAC no frequency). In summary, the available evidence is currently insufficient to determine the role of this variant in disease. Therefore, it has been classified as a Variant of Uncertain Significance.